The following is an entry in ClinVar:

ClinVar aggregate classification (germline): Uncertain significance. Review status: criteria provided, multiple submitters, no conflicts (2 of 4 stars). 2 submissions from 2 submitters: Uncertain significance (2). Last evaluated 2025-05-23.

Conditions:
Primary ciliary dyskinesia. Also called: Ciliary dyskinesia. Identifiers: Orphanet 244, MedGen C0008780, MONDO:0016575, HP:0012265.

Allele frequency attached by ClinVar (database versions not stated): ESP Exome Variant Server 0.00008.
gnomAD v4.1: 186 of 1,610,510 alleles (0.012%); highest among the groups gnomAD compares: Non-Finnish European, 0.015%; no homozygotes.

Submissions (2):

Labcorp Genetics (formerly Invitae), Labcorp
Classification: Uncertain significance for Primary ciliary dyskinesia. Last evaluated: 2025-05-23. Review status: criteria provided, single submitter. Criteria: Invitae Variant Classification Sherloc (09022015). Collection method: clinical testing. Allele origin: germline.
Comment: This sequence change replaces threonine, which is neutral and polar, with serine, which is neutral and polar, at codon 4444 of the DNAH11 protein (p.Thr4444Ser). This variant is present in population databases (rs370940025, gnomAD 0.01%). This variant has not been reported in the literature in individuals affected with DNAH11-related conditions. ClinVar contains an entry for this variant (Variation ID: 1770190). Invitae Evidence Modeling of protein sequence and biophysical properties (such as structural, functional, and spatial information, amino acid conservation, physicochemical variation, residue mobility, and thermodynamic stability) indicates that this missense variant is not expected to disrupt DNAH11 protein function with a negative predictive value of 95%. In summary, the available evidence is currently insufficient to determine the role of this variant in disease. Therefore, it has been classified as a Variant of Uncertain Significance.

Ambry Genetics
Classification: Uncertain significance for Primary ciliary dyskinesia. Last evaluated: 2015-09-10. Review status: criteria provided, single submitter. Criteria: Ambry Variant Classification Scheme 2023. Collection method: clinical testing. Allele origin: germline.
Comment: The p.T4444S variant (also known as c.13331C>G), located in coding exon 82 of the DNAH11 gene, results from a C to G substitution at nucleotide position 13331. The threonine at codon 4444 is replaced by serine, an amino acid with similar properties. This variant was previously reported in the SNPDatabase as rs370940025. Based on data from the NHLBI Exome Sequencing Project (ESP), the G allele has an overall frequency of approximately 0.01% (1/12014) total alleles studied and 0.01% (1/8214) European American alleles. This amino acid position is poorly conserved in available vertebrate species. In addition, this alteration is predicted to be tolerated by SIFT in silico analysis. Since supporting evidence is limited at this time, the clinical significance of this variant remains unclear.

NM_001277115.2(DNAH11):c.13331C>G (p.Thr4444Ser)

Genes: CDCA7L (cell division cycle associated 7 like; minus strand), DNAH11 (dynein axonemal heavy chain 11; plus strand). Cytogenetic location: 7p15.3.
Variant type: single nucleotide variant.
Coding change: c.13331C>G on transcript NM_001277115.2 (MANE Select); coding-DNA position 13331, C replaced by G.
Protein change: p.Thr4444Ser; replaces threonine 4444 with serine.
Molecular consequence: missense variant. On other transcripts: 3 prime UTR variant (3).
Genome position (GRCh38, 1-based): chr7:21,901,034, C>G. VCF-style: chr7-21901034-C-G. GRCh37 (hg19) VCF-style: chr7-21940652-C-G.
Other names: c.*1288G>C (NM_001127370.3, NM_001127371.3, NM_018719.5); short protein forms T4444S.
Identifiers: ClinVar variation 1770190 (VCV001770190.5), dbSNP rs370940025, ClinGen allele CA4183457.